The following is an entry in ClinVar:

ClinVar aggregate classification (germline): Likely benign (1 of 4 stars; one submission).

Allele frequency attached by ClinVar (database versions not stated): TOPMed 0.00016; gnomAD 0.00017; ExAC 0.00038.
gnomAD v4.1: 468 of 1,612,892 alleles (0.029%); highest among the groups gnomAD compares: Middle Eastern, 1.1%; 9 homozygotes.

Submissions (3):

CeGaT Center for Human Genetics Tuebingen
Classification: Likely benign. Last evaluated: 2022-11-01. Review status: criteria provided, single submitter. Criteria: CeGaT Center For Human Genetics Tuebingen Variant Classification Criteria Version 2. Collection method: clinical testing. Allele origin: germline. Affected: yes. Observed: 1 variant allele.
Comment: STRN3: PP3, BS2

Dr. Peter K. Rogan Lab, Western University
No classification provided (evidence only). Condition: Clear cell carcinoma of kidney. Review status: no classification provided. Collection method: in vitro. Allele origin: not applicable. Functional consequence: retained intron. Not counted in ClinVar's aggregate classification.

Dr. Peter K. Rogan Lab, Western University
No classification provided (evidence only). Condition: Adrenocortical carcinoma, hereditary. Review status: no classification provided. Collection method: in vitro. Allele origin: not applicable. Functional consequence: retained intron. Not counted in ClinVar's aggregate classification.

NM_001083893.2(STRN3):c.287G>A (p.Arg96Gln)

Gene: STRN3 (striatin 3; minus strand). Cytogenetic location: 14q12.
Variant type: single nucleotide variant.
Coding change: c.287G>A on transcript NM_001083893.2 (MANE Select); coding-DNA position 287, G replaced by A.
Protein change: p.Arg96Gln; replaces arginine 96 with glutamine.
Molecular consequence: missense variant.
Genome position (GRCh38, 1-based): chr14:30,956,238, C>T on the plus strand (G>A on the coding strand, the complement: STRN3 is on the minus strand). VCF-style: chr14-30956238-C-T. GRCh37 (hg19) VCF-style: chr14-31425444-C-T.
Other names: NC_000014.8:g.31425444C>T; c.287G>A, p.Arg96Gln (NM_014574.4); short protein forms R96Q.
Identifiers: ClinVar variation 2644152 (VCV002644152.25), dbSNP rs200133118, ClinGen allele CA7144028.